The following is an entry in ClinVar:

ClinVar aggregate classification (germline): Benign. Review status: criteria provided, multiple submitters, no conflicts (2 of 4 stars). 5 submissions from 5 submitters: Benign (3). 2 of the submissions do not count toward it. Last evaluated 2026-02-02.

Allele frequency attached by ClinVar (database versions not stated): gnomAD exomes 0.00226 and 0.00603; ExAC 0.00794; gnomAD 0.01882 and 0.01979; TOPMed 0.02129; ESP Exome Variant Server 0.02223; 1000 Genomes Project 0.02396; 1000 Genomes Project 30x 0.02561.
gnomAD v4.1: 6,274 of 1,587,668 alleles (0.4%); highest among the groups gnomAD compares: African/African-American, 6.4%; 167 homozygotes.

Submissions (5):

Labcorp Genetics (formerly Invitae), Labcorp
Classification: Benign. Last evaluated: 2026-02-02. Review status: criteria provided, single submitter. Criteria: Invitae Variant Classification Sherloc (09022015). Collection method: clinical testing. Allele origin: germline.

GeneDx
Classification: Benign. Last evaluated: 2015-07-17. Review status: criteria provided, single submitter. Criteria: GeneDx Variant Classification (06012015). Collection method: clinical testing. Allele origin: germline. Affected: yes.
Comment: This variant is considered likely benign or benign based on one or more of the following criteria: it is a conservative change, it occurs at a poorly conserved position in the protein, it is predicted to be benign by multiple in silico algorithms, and/or has population frequency not consistent with disease.

Breakthrough Genomics
Classification: Benign. Review status: criteria provided, single submitter. Criteria: ACMG Guidelines, 2015. Collection method: not provided. Allele origin: germline. Inheritance: Autosomal recessive inheritance. Affected: yes.

Clinical Genetics DNA and cytogenetics Diagnostics Lab, Erasmus MC, Erasmus Medical Center
Classification: Benign. Review status: no assertion criteria provided. Collection method: clinical testing. Allele origin: germline. Affected: yes. Study: VKGL Data-share Consensus. Not counted in ClinVar's aggregate classification.

Genome Diagnostics Laboratory, Amsterdam University Medical Center
Classification: Benign. Review status: no assertion criteria provided. Collection method: clinical testing. Allele origin: germline. Affected: yes. Study: VKGL Data-share Consensus. Not counted in ClinVar's aggregate classification.

NM_006059.4(LAMC3):c.1939+11A>G

Gene: LAMC3 (laminin subunit gamma 3; plus strand). Cytogenetic location: 9q34.12.
Variant type: single nucleotide variant.
Coding change: c.1939+11A>G on transcript NM_006059.4 (MANE Select); 11 bases into the intron after coding-DNA position 1939, A replaced by G.
Molecular consequence: intron variant.
Genome position (GRCh38, 1-based): chr9:131,052,976, A>G. VCF-style: chr9-131052976-A-G. GRCh37 (hg19) VCF-style: chr9-133928363-A-G.
Identifiers: ClinVar variation 378067 (VCV000378067.12), dbSNP rs73550474, ClinGen allele CA5287275.
Genomic context (GRCh38, chr9:131,052,976, plus strand): 5'-CAACCTGACCAGCCTCCGCCTCCGCGTCAGTCCCGGCCCCAGCCCTGCCGGTCAGTAAAG[A>G]CAACCACATGCCCAAGACCCGAGTGCTTGCCAGGTCTCAGAACTGGGCTGGGCTCCGGCG-3'